The following is an entry in ClinVar:

NM_001164665.2(KIAA1549):c.1471G>A (p.Val491Ile)

Gene: KIAA1549 (KIAA1549; minus strand). Cytogenetic location: 7q34.
Variant type: single nucleotide variant.
Coding change: c.1471G>A on transcript NM_001164665.2 (MANE Select); coding-DNA position 1471, G replaced by A.
Protein change: p.Val491Ile; replaces valine 491 with isoleucine.
Molecular consequence: missense variant.
Genome position (GRCh38, 1-based): chr7:138,918,155, C>T on the plus strand (G>A on the coding strand, the complement: KIAA1549 is on the minus strand). VCF-style: chr7-138918155-C-T. GRCh37 (hg19) VCF-style: chr7-138602901-C-T.
Other names: c.1471G>A, p.Val491Ile (NM_020910.3); short protein forms V491I.
Identifiers: ClinVar variation 1963469 (VCV001963469.5), dbSNP rs749611621, ClinGen allele CA4506717.

ClinVar aggregate classification (germline): Uncertain significance (1 of 4 stars; one submission).

Allele frequency attached by ClinVar (database versions not stated): gnomAD 0.00001; ExAC 0.00002; gnomAD exomes 0.00002.
gnomAD v4.1: 25 of 1,613,814 alleles (0.0015%); highest among the groups gnomAD compares: Admixed American, 0.0033%; no homozygotes.

Submission:

Labcorp Genetics (formerly Invitae), Labcorp
Classification: Uncertain significance. Last evaluated: 2024-05-20. Review status: criteria provided, single submitter. Criteria: Invitae Variant Classification Sherloc (09022015). Collection method: clinical testing. Allele origin: germline.
Comment: This sequence change replaces valine, which is neutral and non-polar, with isoleucine, which is neutral and non-polar, at codon 491 of the KIAA1549 protein (p.Val491Ile). This variant is present in population databases (rs749611621, gnomAD 0.004%). This variant has not been reported in the literature in individuals affected with KIAA1549-related conditions. ClinVar contains an entry for this variant (Variation ID: 1963469). Algorithms developed to predict the effect of missense changes on protein structure and function output the following: SIFT: "Not Available"; PolyPhen-2: "Benign"; Align-GVGD: "Not Available". The isoleucine amino acid residue is found in multiple mammalian species, which suggests that this missense change does not adversely affect protein function. In summary, the available evidence is currently insufficient to determine the role of this variant in disease. Therefore, it has been classified as a Variant of Uncertain Significance.